The following is an entry in ClinVar:

ClinVar aggregate classification (germline): Uncertain significance. Review status: criteria provided, single submitter (1 of 4 stars). 2 submissions from 2 submitters: Uncertain significance (1). 1 of the submissions does not count toward it. Last evaluated 2023-07-16.

Conditions:
Intellectual developmental disorder, X-linked 1. Also called: MENTAL RETARDATION, X-LINKED 18; MENTAL RETARDATION, X-LINKED 78; Atkin Flaitz Patil Smith syndrome; Intellectual disability, X-linked 1. Identifiers: Orphanet 777, MedGen C2931498, MONDO:0010656, OMIM 309530.
IQSEC2-related disorder. Also called: IQSEC2-related condition.

Allele frequency attached by ClinVar (database versions not stated): gnomAD exomes below 0.00001; TOPMed below 0.00001.
gnomAD v4.1: 1 of 1,210,603 alleles (0.000083%); highest among the groups gnomAD compares: Non-Finnish European, 0.00011%; no homozygotes.

Submissions (2):

Labcorp Genetics (formerly Invitae), Labcorp
Classification: Uncertain significance for Intellectual developmental disorder, X-linked 1. Last evaluated: 2023-07-16. Review status: criteria provided, single submitter. Criteria: Invitae Variant Classification Sherloc (09022015). Collection method: clinical testing. Allele origin: germline.
Comment: In summary, the available evidence is currently insufficient to determine the role of this variant in disease. Therefore, it has been classified as a Variant of Uncertain Significance. Advanced modeling of protein sequence and biophysical properties (such as structural, functional, and spatial information, amino acid conservation, physicochemical variation, residue mobility, and thermodynamic stability) has been performed at Invitae for this missense variant, however the output from this modeling did not meet the statistical confidence thresholds required to predict the impact of this variant on IQSEC2 protein function. This variant has not been reported in the literature in individuals affected with IQSEC2-related conditions. This variant is not present in population databases (gnomAD no frequency). This sequence change replaces valine, which is neutral and non-polar, with leucine, which is neutral and non-polar, at codon 981 of the IQSEC2 protein (p.Val981Leu).

PreventionGenetics, part of Exact Sciences
Classification: Uncertain significance for IQSEC2-related condition. Last evaluated: 2024-03-26. Review status: no assertion criteria provided. Collection method: clinical testing. Allele origin: germline. Not counted in ClinVar's aggregate classification.
Comment: The IQSEC2 c.2941G>T variant is predicted to result in the amino acid substitution p.Val981Leu. To our knowledge, this variant has not been reported in the literature or in a large population database, indicating this variant is rare. At this time, the clinical significance of this variant is uncertain due to the absence of conclusive functional and genetic evidence.

NM_001111125.3(IQSEC2):c.2941G>T (p.Val981Leu)

Gene: IQSEC2 (IQ motif and Sec7 domain ArfGEF 2; minus strand). Cytogenetic location: Xp11.22.
Variant type: single nucleotide variant.
Coding change: c.2941G>T on transcript NM_001111125.3 (MANE Select); coding-DNA position 2941, G replaced by T.
Protein change: p.Val981Leu; replaces valine 981 with leucine.
Molecular consequence: missense variant.
Genome position (GRCh38, 1-based): chrX:53,241,858, C>A on the plus strand (G>T on the coding strand, the complement: IQSEC2 is on the minus strand). VCF-style: chrX-53241858-C-A. GRCh37 (hg19) VCF-style: chrX-53271040-C-A.
Other names: c.2941G>T, p.Val981Leu (NM_001410736.1); c.2326G>T, p.Val776Leu (NM_015075.2); c.2941G>T (NM_001111125.2); short protein forms V776L, V981L.
Identifiers: ClinVar variation 2743790 (VCV002743790.4), dbSNP rs781869986, ClinGen allele CA413149395.
Genomic context (GRCh38, chrX:53,241,858, plus strand): 5'-TGAAGAGGAAGACCTCCCGCTGATGCAACCCTAGCCTCTGGGGGCGGTTTGGATCTGGCA[C>A]CTCGTAGAGCTGGCAGCAGCAAACCAGTCGACGGTGAGGGAGAGACAGGACCTAGACAGG-3'
Protein context (NP_001104595.1, residues 971-991): RLVCCCQLYE[Val981Leu]PDPNRPQRLG